The following is an entry in ClinVar:

NM_000089.4(COL1A2):c.362G>A (p.Gly121Asp)

Gene: COL1A2 (collagen type I alpha 2 chain; plus strand). Cytogenetic location: 7q21.3.
Variant type: single nucleotide variant.
Coding change: c.362G>A on transcript NM_000089.4 (MANE Select); coding-DNA position 362, G replaced by A.
Protein change: p.Gly121Asp; replaces glycine 121 with aspartic acid.
Molecular consequence: missense variant.
Genome position (GRCh38, 1-based): chr7:94,404,730, G>A. VCF-style: chr7-94404730-G-A. GRCh37 (hg19) VCF-style: chr7-94034042-G-A.
Other names: short protein forms G121D.
Identifiers: ClinVar variation 1457012 (VCV001457012.6), dbSNP rs2115875700, ClinGen allele CA368219599.
Genomic context (GRCh38, chr7:94,404,730, plus strand): 5'-ATGACATTCTTTTTTTCTTTTAGGGCCCTCAAGGTTTCCAAGGACCTGCTGGTGAGCCTG[G>A]TGAACCTGGTCAAACTGTGAGTACATTTTTCCACCTTTGTGATAAGTTTTTTTCCAGGAA-3'
Protein context (NP_000080.2, residues 111-131): QGFQGPAGEP[Gly121Asp]EPGQTGPAGA

ClinVar aggregate classification (germline): Pathogenic (1 of 4 stars; one submission).

Conditions:
Ehlers-Danlos syndrome, classic type, 1 (EDSCL1). Also called: EHLERS-DANLOS SYNDROME, GRAVIS TYPE; EHLERS-DANLOS SYNDROME, SEVERE CLASSIC TYPE; Ehlers-Danlos syndrome, type 1; Ehlers-Danlos Syndrome, Classic Type, COL5A1-Related; EDS I. Identifiers: MedGen C0268335, MONDO:0019567, OMIM 130000.
Osteogenesis imperfecta type I (OI1). Also called: OI, TYPE I; OSTEOGENESIS IMPERFECTA TARDA; OSTEOGENESIS IMPERFECTA WITH BLUE SCLERAE; Osteogenesis imperfecta type 1; Lobstein's Disease; Lobstein disease. Identifiers: Orphanet 216796, Orphanet 666, MedGen C0023931, MONDO:0008146, OMIM 166200. Disease mechanism: loss of function.

Submission:

Labcorp Genetics (formerly Invitae), Labcorp
Classification: Pathogenic for Osteogenesis imperfecta type I; Ehlers-Danlos syndrome, classic type, 1. Last evaluated: 2025-10-08. Review status: criteria provided, single submitter. Criteria: Invitae Variant Classification Sherloc (09022015). Collection method: clinical testing. Allele origin: germline.
Comment: This sequence change replaces glycine, which is neutral and non-polar, with aspartic acid, which is acidic and polar, at codon 121 of the COL1A2 protein (p.Gly121Asp). This variant is not present in population databases (gnomAD no frequency). This missense change has been observed in individual(s) with osteogenesis imperfecta type 1 (PMID: 27509835). ClinVar contains an entry for this variant (Variation ID: 1457012). Invitae Evidence Modeling of protein sequence and biophysical properties (such as structural, functional, and spatial information, amino acid conservation, physicochemical variation, residue mobility, and thermodynamic stability) indicates that this missense variant is expected to disrupt COL1A2 protein function with a positive predictive value of 95%. This variant disrupts the triple helix domain of COL1A2. Glycine residues within the Gly-Xaa-Yaa repeats of the triple helix domain are required for the structure and stability of fibrillar collagens (PMID: 7695699, 8218237, 19344236). In COL1A2, variants affecting these glycine residues are significantly enriched in individuals with disease (PMID: 9016532, 17078022) compared to the general population (ExAC). For these reasons, this variant has been classified as Pathogenic.

Literature cited by the submitters: PubMed 27509835; PubMed 7695699; PubMed 8218237; PubMed 19344236; PubMed 9016532; PubMed 17078022.